The following is an entry in ClinVar:

NM_000179.3(MSH6):c.702_703insT (p.Thr235fs)

Gene: MSH6 (mutS homolog 6; plus strand). Cytogenetic location: 2p16.3.
Variant type: Insertion.
Coding change: c.702_703insT on transcript NM_000179.3 (MANE Select); coding-DNA positions 702 to 703, T inserted.
Protein change: p.Thr235fs; shifts the reading frame from threonine 235.
Molecular consequence: frameshift variant. On other transcripts: 5 prime UTR variant (2).
Genome position: GRCh38 VCF-style: chr2-47798685-G-GT. GRCh37 (hg19) VCF-style: chr2-48025824-G-GT.
Other names: c.312_313insT, p.Thr105fs (NM_001281492.2); c.-205_-204insT (NM_001281493.2, NM_001281494.2); short protein forms T105fs, T235fs.
Identifiers: ClinVar variation 182679 (VCV000182679.4), dbSNP rs730881826, ClinGen allele CA016288.

ClinVar aggregate classification (germline): Pathogenic. Review status: criteria provided, multiple submitters, no conflicts (2 of 4 stars). 2 submissions from 2 submitters: Pathogenic (2). Last evaluated 2023-08-10.

Conditions:
Lynch syndrome 5 (LYNCH5). Also called: Hereditary non-polyposis colorectal cancer, type 5; Colorectal cancer, hereditary nonpolyposis, type 5. Identifiers: Orphanet 144, MedGen C1833477, MONDO:0013710, OMIM 614350. Disease mechanism: loss of function.

Submissions (2):

Myriad Genetics, Inc.
Classification: Pathogenic for Lynch syndrome 5. Last evaluated: 2023-08-10. Review status: criteria provided, single submitter. Criteria: Myriad Autosomal Dominant, Autosomal Recessive and X-Linked Classification Criteria (2023). Collection method: clinical testing. Allele origin: unknown.
Comment: This variant is considered pathogenic. This variant creates a frameshift predicted to result in premature protein truncation.

GeneDx
Classification: Pathogenic. Last evaluated: 2023-01-11. Review status: criteria provided, single submitter. Criteria: GeneDx Variant Classification Process June 2021. Collection method: clinical testing. Allele origin: germline. Affected: yes.
Comment: Frameshift variant predicted to result in protein truncation or nonsense mediated decay in a gene for which loss of function is a known mechanism of disease; Not observed at significant frequency in large population cohorts (gnomAD); Truncating variants in this gene are considered pathogenic by a well-established clinical consortium and/or database; Observed in individuals with colorectal cancer (Susswein et al., 2016); This variant is associated with the following publications: (PMID: 26681312)